The following is an entry in ClinVar:

ClinVar aggregate classification (germline): Likely benign (0 of 4 stars; one submission).

Conditions:
UTP4-related disorder. Also called: UTP4-related condition.

Allele frequency attached by ClinVar (database versions not stated): gnomAD exomes below 0.00001; gnomAD 0.00001; TOPMed 0.00001.
gnomAD v4.1: 5 of 1,614,084 alleles (0.00031%); highest among the groups gnomAD compares: African/African-American, 0.0053%; no homozygotes.

Submission:

PreventionGenetics, part of Exact Sciences
Classification: Likely benign for UTP4-related condition. Last evaluated: 2021-06-24. Review status: no assertion criteria provided. Collection method: clinical testing. Allele origin: germline.
Comment: This variant is classified as likely benign based on ACMG/AMP sequence variant interpretation guidelines (Richards et al. 2015 PMID: 25741868, with internal and published modifications).

NM_032830.3(UTP4):c.1797T>C (p.His599=)

Gene: UTP4 (UTP4 small subunit processome component). Cytogenetic location: 16q22.1.
Variant type: single nucleotide variant.
Coding change: c.1797T>C on transcript NM_032830.3 (MANE Select); coding-DNA position 1797, T replaced by C.
Protein change: p.His599=; no amino-acid change (histidine 599 retained).
Molecular consequence: synonymous variant.
Genome position (GRCh38, 1-based): chr16:69,165,490, T>C. VCF-style: chr16-69165490-T-C. GRCh37 (hg19) VCF-style: chr16-69199393-T-C.
Other names: c.1548T>C, p.His516= (NM_001318391.2).
Identifiers: ClinVar variation 3028993 (VCV003028993.2), dbSNP rs1417609006, ClinGen allele CA496396239.